The following is an entry in ClinVar:

NM_005751.5(AKAP9):c.4022A>G (p.Gln1341Arg)

Gene: AKAP9 (A-kinase anchoring protein 9; plus strand). Cytogenetic location: 7q21.2.
Variant type: single nucleotide variant.
Coding change: c.4022A>G on transcript NM_005751.5 (MANE Select); coding-DNA position 4022, A replaced by G.
Protein change: p.Gln1341Arg; replaces glutamine 1341 with arginine.
Molecular consequence: missense variant.
Genome position (GRCh38, 1-based): chr7:92,022,883, A>G. VCF-style: chr7-92022883-A-G. GRCh37 (hg19) VCF-style: chr7-91652197-A-G.
Other names: c.4022A>G, p.Gln1341Arg (NM_147185.3); short protein forms Q1341R.
Identifiers: ClinVar variation 1737123 (VCV001737123.8), dbSNP rs762115704, ClinGen allele CA4336463.

ClinVar aggregate classification (germline): Conflicting classifications of pathogenicity. Review status: criteria provided, conflicting classifications (1 of 4 stars). 2 submissions from 2 submitters: Uncertain significance (1); Likely benign (1). Last evaluated 2025-03-17.

Conditions:
Cardiovascular phenotype. Identifiers: MedGen CN230736.
Long QT syndrome (LQTS). Identifiers: MedGen C0023976, MeSH D008133, MONDO:0002442. Disease mechanism: loss of function. Inheritance: Various modes of inheritance.

Allele frequency attached by ClinVar (database versions not stated): ExAC 0.00001; TOPMed 0.00002; gnomAD 0.00003; gnomAD exomes 0.00007.
gnomAD v4.1: 107 of 1,612,022 alleles (0.0066%); highest among the groups gnomAD compares: Non-Finnish European, 0.0082%; no homozygotes.

Submissions (2):

Labcorp Genetics (formerly Invitae), Labcorp
Classification: Uncertain significance for Long QT syndrome. Last evaluated: 2025-03-17. Review status: criteria provided, single submitter. Criteria: Invitae Variant Classification Sherloc (09022015). Collection method: clinical testing. Allele origin: germline.
Comment: This sequence change replaces glutamine, which is neutral and polar, with arginine, which is basic and polar, at codon 1341 of the AKAP9 protein (p.Gln1341Arg). This variant is present in population databases (rs762115704, gnomAD 0.008%). This variant has not been reported in the literature in individuals affected with AKAP9-related conditions. ClinVar contains an entry for this variant (Variation ID: 1737123). An algorithm developed to predict the effect of missense changes on protein structure and function (PolyPhen-2) suggests that this variant is likely to be tolerated. In summary, the available evidence is currently insufficient to determine the role of this variant in disease. Therefore, it has been classified as a Variant of Uncertain Significance.

Ambry Genetics
Classification: Likely benign for Cardiovascular phenotype. Last evaluated: 2023-11-01. Review status: criteria provided, single submitter. Criteria: Ambry Variant Classification Scheme 2023. Collection method: clinical testing. Allele origin: germline.